The following is an entry in ClinVar:

NM_213647.3(FGFR4):c.535A>G (p.Thr179Ala)

Gene: FGFR4 (fibroblast growth factor receptor 4; plus strand). Cytogenetic location: 5q35.2.
Variant type: single nucleotide variant.
Coding change: c.535A>G on transcript NM_213647.3 (MANE Select); coding-DNA position 535, A replaced by G.
Protein change: p.Thr179Ala; replaces threonine 179 with alanine.
Molecular consequence: missense variant.
Genome position (GRCh38, 1-based): chr5:177,091,036, A>G. VCF-style: chr5-177091036-A-G. GRCh37 (hg19) VCF-style: chr5-176518037-A-G.
Other names: c.535A>G, p.Thr179Ala (NM_001291980.2, NM_001354984.2, NM_002011.5 and 1 more transcripts); short protein forms T179A.
Identifiers: ClinVar variation 3048070 (VCV003048070.2), dbSNP rs55675160, ClinGen allele CA3576037.

ClinVar aggregate classification (germline): Benign (0 of 4 stars; one submission).

Conditions:
FGFR4-related disorder. Also called: FGFR4-related condition.

Allele frequency attached by ClinVar (database versions not stated): gnomAD exomes 0.00105; gnomAD 0.00123; TOPMed 0.00169; ExAC 0.00290; 1000 Genomes Project 30x 0.00734; 1000 Genomes Project 0.00799.
gnomAD v4.1: 1,725 of 1,610,462 alleles (0.11%); highest among the groups gnomAD compares: East Asian, 3.1%; 22 homozygotes.

Submission:

PreventionGenetics, part of Exact Sciences
Classification: Benign for FGFR4-related condition. Last evaluated: 2024-09-03. Review status: no assertion criteria provided. Collection method: clinical testing. Allele origin: germline.
Comment: This variant is classified as benign based on ACMG/AMP sequence variant interpretation guidelines (Richards et al. 2015 PMID: 25741868, with internal and published modifications).